The following is an entry in ClinVar:

ClinVar aggregate classification (germline): Uncertain significance (1 of 4 stars; one submission).

gnomAD v4.1: 59 of 1,594,554 alleles (0.0037%); highest among the groups gnomAD compares: Non-Finnish European, 0.0048%; no homozygotes.

Submission:

CeGaT Center for Human Genetics Tuebingen
Classification: Uncertain significance. Last evaluated: 2025-09-01. Review status: criteria provided, single submitter. Criteria: CeGaT Center For Human Genetics Tuebingen Variant Classification Criteria Version 2. Collection method: clinical testing. Allele origin: germline. Affected: yes. Observed: 1 variant allele.
Comment: KCNN2: PP3

NM_021614.4(KCNN2):c.761G>A (p.Gly254Glu)

Gene: KCNN2 (potassium calcium-activated channel subfamily N member 2; plus strand). Cytogenetic location: 5q22.3.
Variant type: single nucleotide variant.
Coding change: c.761G>A on transcript NM_021614.4 (MANE Select); coding-DNA position 761, G replaced by A.
Protein change: p.Gly254Glu; replaces glycine 254 with glutamic acid.
Molecular consequence: missense variant. On other transcripts: non-coding transcript variant (1).
Genome position (GRCh38, 1-based): chr5:114,362,900, G>A. VCF-style: chr5-114362900-G-A. GRCh37 (hg19) VCF-style: chr5-113698597-G-A.
Other names: c.959G>A, p.Gly320Glu (NM_001372233.1); short protein forms G254E, G320E.
Identifiers: ClinVar variation 4280746 (VCV004280746.7).